The following is an entry in ClinVar:

ClinVar aggregate classification (germline): Likely benign. Review status: criteria provided, multiple submitters, no conflicts (2 of 4 stars). 4 submissions from 4 submitters: Likely benign (3). 1 of the submissions does not count toward it. Last evaluated 2025-11-27.

Conditions:
Cardiovascular phenotype. Identifiers: MedGen CN230736.
Distal myopathy with posterior leg and anterior hand involvement. Also called: WILLIAMS DISTAL MYOPATHY. Identifiers: Orphanet 63273, MedGen C3279722, MONDO:0013550, OMIM 614065.
Hypertrophic cardiomyopathy 26. Also called: Cardiomyopathy, familial hypertrophic, 26. Identifiers: Orphanet 75249, MedGen C4310749, MONDO:0014883, OMIM 617047.
Myofibrillar myopathy 5. Also called: Filaminopathy (type); FILAMINOPATHY, AUTOSOMAL DOMINANT. Identifiers: Orphanet 171445, MedGen C1836050, MONDO:0012289, OMIM 609524.
FLNC-related disorder. Also called: FLNC-related disorders; FLNC-related condition.

Allele frequency attached by ClinVar (database versions not stated): gnomAD 0.00001; gnomAD exomes 0.00002; TOPMed 0.00003; ExAC 0.00004.

Submissions (4):

Labcorp Genetics (formerly Invitae), Labcorp
Classification: Likely benign for Distal myopathy with posterior leg and anterior hand involvement; Myofibrillar myopathy 5; Hypertrophic cardiomyopathy 26. Last evaluated: 2025-11-27. Review status: criteria provided, single submitter. Criteria: Invitae Variant Classification Sherloc (09022015). Collection method: clinical testing. Allele origin: germline.

Blueprint Genetics
Classification: Likely benign. Last evaluated: 2024-05-23. Review status: criteria provided, single submitter. Criteria: ACMG Guidelines, 2015. Collection method: clinical testing. Allele origin: germline.

Ambry Genetics
Classification: Likely benign for Cardiovascular phenotype. Last evaluated: 2019-11-20. Review status: criteria provided, single submitter. Criteria: Ambry Variant Classification Scheme 2023. Collection method: clinical testing. Allele origin: germline.

PreventionGenetics, part of Exact Sciences
Classification: Likely benign for FLNC-related condition. Last evaluated: 2020-10-26. Review status: no assertion criteria provided. Collection method: clinical testing. Allele origin: germline. Not counted in ClinVar's aggregate classification.
Comment: This variant is classified as likely benign based on ACMG/AMP sequence variant interpretation guidelines (Richards et al. 2015 PMID: 25741868, with internal and published modifications).

NM_001458.5(FLNC):c.5814G>A (p.Pro1938=)

Genes: FLNC (filamin C; plus strand), FLNC-AS1 (FLNC antisense RNA 1; minus strand). Cytogenetic location: 7q32.1.
Variant type: single nucleotide variant.
Coding change: c.5814G>A on transcript NM_001458.5 (MANE Select); coding-DNA position 5814, G replaced by A.
Protein change: p.Pro1938=; no amino-acid change (proline 1938 retained).
Molecular consequence: synonymous variant.
Genome position (GRCh38, 1-based): chr7:128,851,600, G>A. VCF-style: chr7-128851600-G-A. GRCh37 (hg19) VCF-style: chr7-128491654-G-A.
Other names: c.5715G>A, p.Pro1905= (NM_001127487.2).
Identifiers: ClinVar variation 774448 (VCV000774448.14), dbSNP rs752263141, ClinGen allele CA4475794.